The following is an entry in ClinVar:

NM_000937.5(POLR2A):c.2689G>A (p.Ala897Thr)

Genes: POLR2A (RNA polymerase II subunit A; plus strand), LOC126862481 (BRD4-independent group 4 enhancer GRCh37_chr17:7405086-7406285; plus strand). Cytogenetic location: 17p13.1.
Variant type: single nucleotide variant.
Coding change: c.2689G>A on transcript NM_000937.5; coding-DNA position 2689, G replaced by A.
Protein change: p.Ala897Thr; replaces alanine 897 with threonine.
Molecular consequence: missense variant.
Genome position (GRCh38, 1-based): chr17:7,502,634, G>A. VCF-style: chr17-7502634-G-A. GRCh37 (hg19) VCF-style: chr17-7405953-G-A.
Other names: short protein forms A897T.
Identifiers: ClinVar variation 1030924 (VCV001030924.1), dbSNP rs2070598932, ClinGen allele CA397796631.
Genomic context (GRCh38, chr17:7,502,634, plus strand): 5'-GCGACTGTGCGGAACTCCATCAACCAGGTGGTGCAGCTGCGCTACGGCGAAGACGGCCTG[G>A]CAGGCGAGAGCGTTGAGTTCCAGAACCTGGCTACGCTTAAGCCTTCCAACAAGGCTTTTG-3'
Protein context (NP_000928.1, residues 887-907): VQLRYGEDGL[Ala897Thr]GESVEFQNLA

ClinVar aggregate classification (germline): Uncertain significance (1 of 4 stars; one submission).

Conditions:
Neurodevelopmental disorder with hypotonia and variable intellectual and behavioral abnormalities. Identifiers: MedGen C5231423, MONDO:0032829, OMIM 618603.

Submission:

Baylor Genetics
Classification: Uncertain significance for Neurodevelopmental disorder with hypotonia and variable intellectual and behavioral abnormalities. Last evaluated: 2020-03-20. Review status: criteria provided, single submitter. Criteria: ACMG Guidelines, 2015. Collection method: clinical testing. Allele origin: unknown. Affected: yes.
Comment: This variant was determined to be of uncertain significance according to ACMG Guidelines, 2015 [PMID:25741868].